The following is an entry in ClinVar:

NM_000218.3(KCNQ1):c.1514+3377G>A

Genes: KCNQ1 (potassium voltage-gated channel subfamily Q member 1; plus strand), KCNQ1OT1 (KCNQ1 opposite strand/antisense transcript 1; minus strand). Cytogenetic location: 11p15.5.
Variant type: single nucleotide variant.
Coding change: c.1514+3377G>A on transcript NM_000218.3 (MANE Select); 3377 bases into the intron after coding-DNA position 1514, G replaced by A.
Molecular consequence: intron variant.
Genome position (GRCh38, 1-based): chr11:2,665,458, G>A. VCF-style: chr11-2665458-G-A. GRCh37 (hg19) VCF-style: chr11-2686688-G-A.
Other names: c.1244+3377G>A (NM_001406837.1); c.1418+3377G>A (NM_001406836.1); c.974+3377G>A (NM_001406838.1); c.1133+3377G>A (NM_181798.2).
Identifiers: ClinVar variation 1711303 (VCV001711303.30), dbSNP rs149208172, ClinGen allele CA216174055.
Genomic context (GRCh38, chr11:2,665,458, plus strand): 5'-GATGAGTTCCTGGGATTCTGACCCACTCACTATCCTCTGCTCACCAAGGGTCACTGGCAC[G>A]ACAGTGGGTGGGGACGGTGCCATGCCTGTGTGCATCCCTGTGCCTTGCGTGTGGTAACCT-3'

ClinVar aggregate classification (germline): Likely benign (1 of 4 stars; one submission).

Allele frequency attached by ClinVar (database versions not stated): 1000 Genomes Project 30x 0.00203; 1000 Genomes Project 0.00240; TOPMed 0.00410; gnomAD exomes 0.00414; gnomAD 0.00420.
gnomAD v4.1: 1,674 of 397,070 alleles (0.42%); highest among the groups gnomAD compares: Non-Finnish European, 0.47%; 4 homozygotes.

Submission:

CeGaT Center for Human Genetics Tuebingen
Classification: Likely benign. Last evaluated: 2026-06-01. Review status: criteria provided, single submitter. Criteria: CeGaT Center For Human Genetics Tuebingen Variant Classification Criteria Version 2. Collection method: clinical testing. Allele origin: germline. Affected: yes. Observed: 41 variant alleles.
Comment: KCNQ1OT1: BS2